The following is an entry in ClinVar:

NM_002246.3(KCNK3):c.1054C>T (p.Arg352Cys)

Gene: KCNK3 (potassium two pore domain channel subfamily K member 3; plus strand). Cytogenetic location: 2p23.3.
Variant type: single nucleotide variant.
Coding change: c.1054C>T on transcript NM_002246.3 (MANE Select); coding-DNA position 1054, C replaced by T.
Protein change: p.Arg352Cys; replaces arginine 352 with cysteine.
Molecular consequence: missense variant.
Genome position (GRCh38, 1-based): chr2:26,728,437, C>T. VCF-style: chr2-26728437-C-T. GRCh37 (hg19) VCF-style: chr2-26951305-C-T.
Other names: short protein forms R352C.
Identifiers: ClinVar variation 1901815 (VCV001901815.5), dbSNP rs1233592966, ClinGen allele CA346263328.
Genomic context (GRCh38, chr2:26,728,437, plus strand): 5'-GACCTCTCCACGTCCGACACGTGCGTGGAGCAGAGCCACTCGTCGCCGGGAGGGGGCGGC[C>T]GCTACAGCGACACGCCCTCGCGACGCTGCCTGTGCAGCGGGGCGCCACGCTCCGCCATCA-3'
Protein context (NP_002237.1, residues 342-362): QSHSSPGGGG[Arg352Cys]YSDTPSRRCL

ClinVar aggregate classification (germline): Uncertain significance (1 of 4 stars; one submission).

Conditions:
Pulmonary hypertension, primary, 4. Identifiers: Orphanet 422, MedGen C3809198, MONDO:0014136, OMIM 615344.

Allele frequency attached by ClinVar (database versions not stated): gnomAD exomes below 0.00001; gnomAD 0.00001; TOPMed 0.00001.

Submission:

Labcorp Genetics (formerly Invitae), Labcorp
Classification: Uncertain significance for Pulmonary hypertension, primary, 4. Last evaluated: 2022-05-17. Review status: criteria provided, single submitter. Criteria: Invitae Variant Classification Sherloc (09022015). Collection method: clinical testing. Allele origin: germline.
Comment: This sequence change replaces arginine, which is basic and polar, with cysteine, which is neutral and slightly polar, at codon 352 of the KCNK3 protein (p.Arg352Cys). The frequency data for this variant in the population databases is considered unreliable, as metrics indicate poor data quality at this position in the gnomAD database. This variant has not been reported in the literature in individuals affected with KCNK3-related conditions. Algorithms developed to predict the effect of missense changes on protein structure and function are either unavailable or do not agree on the potential impact of this missense change (SIFT: "Tolerated"; PolyPhen-2: "Possibly Damaging"; Align-GVGD: "Class C0"). In summary, the available evidence is currently insufficient to determine the role of this variant in disease. Therefore, it has been classified as a Variant of Uncertain Significance.